The following is an entry in ClinVar:

NM_000548.5(TSC2):c.4657G>A (p.Gly1553Ser)

Gene: TSC2 (TSC complex subunit 2; plus strand). Cytogenetic location: 16p13.3.
Variant type: single nucleotide variant.
Coding change: c.4657G>A on transcript NM_000548.5 (MANE Select); coding-DNA position 4657, G replaced by A.
Protein change: p.Gly1553Ser; replaces glycine 1553 with serine.
Molecular consequence: missense variant. On other transcripts: non-coding transcript variant (5).
Genome position (GRCh38, 1-based): chr16:2,085,317, G>A. VCF-style: chr16-2085317-G-A. GRCh37 (hg19) VCF-style: chr16-2135318-G-A.
Other names: c.4456G>A, p.Gly1486Ser (NM_001077183.3); c.4588G>A, p.Gly1530Ser (NM_001114382.3); c.4348G>A, p.Gly1450Ser (NM_001318827.2); c.4489G>A, p.Gly1497Ser (NM_001318832.2); c.4459G>A, p.Gly1487Ser (NM_001363528.2); c.4525G>A, p.Gly1509Ser (NM_001370404.1); c.4438G>A, p.Gly1480Ser (NM_001406676.1); c.4399G>A, p.Gly1467Ser (NM_001406677.1); and 26 more; short protein forms G1333S, G1437S, G1450S, G1467S, G1481S, G1486S, G1487S, G1516S.
Identifiers: ClinVar variation 2700593 (VCV002700593.3), dbSNP rs2151553804, ClinGen allele CA394305074.

ClinVar aggregate classification (germline): Uncertain significance (1 of 4 stars; one submission).

Conditions:
Tuberous sclerosis 2 (TSC2). Identifiers: Orphanet 805, MedGen C1860707, MONDO:0013199, OMIM 613254.

Submission:

Labcorp Genetics (formerly Invitae), Labcorp
Classification: Uncertain significance for Tuberous sclerosis 2. Last evaluated: 2024-06-30. Review status: criteria provided, single submitter. Criteria: Invitae Variant Classification Sherloc (09022015). Collection method: clinical testing. Allele origin: germline.
Comment: This sequence change replaces glycine, which is neutral and non-polar, with serine, which is neutral and polar, at codon 1553 of the TSC2 protein (p.Gly1553Ser). This variant is not present in population databases (gnomAD no frequency). This variant has not been reported in the literature in individuals affected with TSC2-related conditions. Advanced modeling of protein sequence and biophysical properties (such as structural, functional, and spatial information, amino acid conservation, physicochemical variation, residue mobility, and thermodynamic stability) has been performed at Invitae for this missense variant, however the output from this modeling did not meet the statistical confidence thresholds required to predict the impact of this variant on TSC2 protein function. In summary, the available evidence is currently insufficient to determine the role of this variant in disease. Therefore, it has been classified as a Variant of Uncertain Significance.